The following is an entry in ClinVar:

NM_173076.3(ABCA12):c.1376G>C (p.Ser459Thr)

Gene: ABCA12 (ATP binding cassette subfamily A member 12; minus strand). Cytogenetic location: 2q35.
Variant type: single nucleotide variant.
Coding change: c.1376G>C on transcript NM_173076.3 (MANE Select); coding-DNA position 1376, G replaced by C.
Protein change: p.Ser459Thr; replaces serine 459 with threonine.
Molecular consequence: missense variant. On other transcripts: non-coding transcript variant (1).
Genome position (GRCh38, 1-based): chr2:215,019,708, C>G on the plus strand (G>C on the coding strand, the complement: ABCA12 is on the minus strand). VCF-style: chr2-215019708-C-G. GRCh37 (hg19) VCF-style: chr2-215884432-C-G.
Other names: c.422G>C, p.Ser141Thr (NM_015657.4); short protein forms S141T, S459T.
Identifiers: ClinVar variation 930799 (VCV000930799.12), dbSNP rs113112835, ClinGen allele CA2092239.

ClinVar aggregate classification (germline): Benign/Likely benign. Review status: criteria provided, multiple submitters, no conflicts (2 of 4 stars). 2 submissions from 2 submitters: Benign (1); Likely benign (1). Last evaluated 2026-02-02.

Conditions:
Autosomal recessive congenital ichthyosis 4B (ARCI4B). Also called: Ichthyosis, congenital, autosomal recessive 4B (harlequin); Harlequin Fetus; HARLEQUIN ICHTHYOSIS; ICHTHYOSIS CONGENITA, HARLEQUIN FETUS TYPE. Identifiers: Orphanet 457, MedGen C0598226, MONDO:0009443, OMIM 242500.

Allele frequency attached by ClinVar (database versions not stated): ExAC 0.00012; TOPMed 0.00013; gnomAD 0.00014 and 0.00016; gnomAD exomes 0.00016; ESP Exome Variant Server 0.00038.
gnomAD v4.1: 334 of 1,614,046 alleles (0.021%); highest among the groups gnomAD compares: Admixed American, 0.033%; 1 homozygote.

Submissions (2):

Labcorp Genetics (formerly Invitae), Labcorp
Classification: Likely benign. Last evaluated: 2026-02-02. Review status: criteria provided, single submitter. Criteria: Invitae Variant Classification Sherloc (09022015). Collection method: clinical testing. Allele origin: germline.

Centre for Mendelian Genomics, University Medical Centre Ljubljana
Classification: Benign for Autosomal recessive congenital ichthyosis 4B. Last evaluated: 2018-09-28. Review status: criteria provided, single submitter. Criteria: ACMG Guidelines, 2015. Collection method: clinical testing. Allele origin: unknown. Affected: yes.
Comment: This variant was classified as: Benign. The following ACMG criteria were applied in classifying this variant: BS1,BS2.